The following is an entry in ClinVar:

ClinVar aggregate classification (germline): Likely benign (1 of 4 stars; one submission).

Allele frequency attached by ClinVar (database versions not stated): gnomAD exomes below 0.00001.
gnomAD v4.1: 3 of 1,241,970 alleles (0.00024%); highest among the groups gnomAD compares: Non-Finnish European, 0.00035%; no homozygotes.

Submission:

GeneDx
Classification: Likely benign. Last evaluated: 2017-10-09. Review status: criteria provided, single submitter. Criteria: GeneDx Variant Classification (06012015). Collection method: clinical testing. Allele origin: germline. Affected: yes.
Comment: This variant is considered likely benign or benign based on one or more of the following criteria: it is a conservative change, it occurs at a poorly conserved position in the protein, it is predicted to be benign by multiple in silico algorithms, and/or has population frequency not consistent with disease.

NM_000136.3(FANCC):c.-78-20A>G

Gene: FANCC (FA complementation group C; minus strand). Cytogenetic location: 9q22.32.
Variant type: single nucleotide variant.
Coding change: c.-78-20A>G on transcript NM_000136.3 (MANE Select); 20 bases into the intron before 78 bases upstream of the start codon, A replaced by G.
Molecular consequence: intron variant.
Genome position (GRCh38, 1-based): chr9:95,249,389, T>C on the plus strand (A>G on the coding strand, the complement: FANCC is on the minus strand). VCF-style: chr9-95249389-T-C. GRCh37 (hg19) VCF-style: chr9-98011671-T-C.
Other names: c.-78-20A>G (NM_001243743.2, NM_001243744.2).
Identifiers: ClinVar variation 391658 (VCV000391658.1), dbSNP rs1057524180, ClinGen allele CA16606606.